The following is an entry in ClinVar:

ClinVar aggregate classification (germline): Uncertain significance (1 of 4 stars; one submission).

Conditions:
Leber congenital amaurosis 6 (LCA6). Identifiers: Orphanet 65, MedGen C1854260, MONDO:0013446, OMIM 613826.
Cone-rod dystrophy 13 (CORD13). Identifiers: Orphanet 1872, MedGen C2750720, MONDO:0011987, OMIM 608194.

Submission:

Labcorp Genetics (formerly Invitae), Labcorp
Classification: Uncertain significance for Leber congenital amaurosis 6; Cone-rod dystrophy 13. Last evaluated: 2021-07-03. Review status: criteria provided, single submitter. Criteria: Invitae Variant Classification Sherloc (09022015). Collection method: clinical testing. Allele origin: germline.
Comment: In summary, the available evidence is currently insufficient to determine the role of this variant in disease. Therefore, it has been classified as a Variant of Uncertain Significance. Algorithms developed to predict the effect of missense changes on protein structure and function (SIFT, PolyPhen-2, Align-GVGD) all suggest that this variant is likely to be tolerated. This variant has not been reported in the literature in individuals affected with RPGRIP1-related conditions. This variant is not present in population databases (ExAC no frequency). This sequence change replaces valine with leucine at codon 145 of the RPGRIP1 protein (p.Val145Leu). The valine residue is weakly conserved and there is a small physicochemical difference between valine and leucine.

NM_020366.4(RPGRIP1):c.433G>C (p.Val145Leu)

Gene: RPGRIP1 (RPGR interacting protein 1; plus strand). Cytogenetic location: 14q11.2.
Variant type: single nucleotide variant.
Coding change: c.433G>C on transcript NM_020366.4 (MANE Select); coding-DNA position 433, G replaced by C.
Protein change: p.Val145Leu; replaces valine 145 with leucine.
Molecular consequence: missense variant.
Genome position (GRCh38, 1-based): chr14:21,301,180, G>C. VCF-style: chr14-21301180-G-C. GRCh37 (hg19) VCF-style: chr14-21769339-G-C.
Other names: short protein forms V145L.
Identifiers: ClinVar variation 1425694 (VCV001425694.8), dbSNP rs1881012139, ClinGen allele CA388859253.